The following is an entry in ClinVar:

ClinVar aggregate classification (germline): Uncertain significance (1 of 4 stars; one submission).

Conditions:
Marfan syndrome (MFS). Also called: MARFAN SYNDROME, TYPE I; Marfan syndrome type 1; Marfan's syndrome; Marfan syndrome, classic; FBN1-Related Marfan Syndrome. Identifiers: Orphanet 284963, Orphanet 558, MedGen C0024796, MONDO:0007947, OMIM 154700.
Familial thoracic aortic aneurysm and aortic dissection (TAAD). Also called: Thoracic aortic aneurysms and dissections. Identifiers: Orphanet 91387, MedGen C4707243, MONDO:0019625.

Submission:

Labcorp Genetics (formerly Invitae), Labcorp
Classification: Uncertain significance for Marfan syndrome; Familial thoracic aortic aneurysm and aortic dissection. Last evaluated: 2022-07-07. Review status: criteria provided, single submitter. Criteria: Invitae Variant Classification Sherloc (09022015). Collection method: clinical testing. Allele origin: germline.
Comment: In summary, the available evidence is currently insufficient to determine the role of this variant in disease. Therefore, it has been classified as a Variant of Uncertain Significance. Algorithms developed to predict the effect of missense changes on protein structure and function are either unavailable or do not agree on the potential impact of this missense change (SIFT: "Deleterious"; PolyPhen-2: "Possibly Damaging"; Align-GVGD: "Class C0"). This variant has not been reported in the literature in individuals affected with FBN1-related conditions. This variant is not present in population databases (gnomAD no frequency). This sequence change replaces threonine, which is neutral and polar, with alanine, which is neutral and non-polar, at codon 655 of the FBN1 protein (p.Thr655Ala).

NM_000138.5(FBN1):c.1963A>G (p.Thr655Ala)

Gene: FBN1 (fibrillin 1; minus strand). Cytogenetic location: 15q21.1.
Variant type: single nucleotide variant.
Coding change: c.1963A>G on transcript NM_000138.5 (MANE Select); coding-DNA position 1963, A replaced by G.
Protein change: p.Thr655Ala; replaces threonine 655 with alanine.
Molecular consequence: missense variant.
Genome position (GRCh38, 1-based): chr15:48,503,937, T>C on the plus strand (A>G on the coding strand, the complement: FBN1 is on the minus strand). VCF-style: chr15-48503937-T-C. GRCh37 (hg19) VCF-style: chr15-48796134-T-C.
Other names: c.1963A>G, p.Thr655Ala (NM_001406716.1); short protein forms T655A.
Identifiers: ClinVar variation 2200035 (VCV002200035.4), dbSNP rs2505591496, ClinGen allele CA392338894.
Genomic context (GRCh38, chr15:48,503,937, plus strand): 5'-ACAAAGGTTTGATACACTGGCCTCTCTTGTATCCACCATAGCATGTGCTCCGCATGTGTG[T>C]GTCTAAACAGGAAGAAGCATCTGTCATCACACTGTCACTTCAAACAGATGAGAACCCCCC-3'
Protein context (NP_000129.3, residues 645-665): VGLDGRVCVD[Thr655Ala]HMRSTCYGGY